The following is an entry in ClinVar:

ClinVar aggregate classification (germline): Uncertain significance (1 of 4 stars; one submission).

Submission:

Labcorp Genetics (formerly Invitae), Labcorp
Classification: Uncertain significance. Last evaluated: 2025-08-12. Review status: criteria provided, single submitter. Criteria: Invitae Variant Classification Sherloc (09022015). Collection method: clinical testing. Allele origin: germline.
Comment: This sequence change falls in intron 19 of the SPTB gene. It does not directly change the encoded amino acid sequence of the SPTB protein. This variant is present in population databases (no rsID available, gnomAD 0.0009%). This variant has not been reported in the literature in individuals affected with SPTB-related conditions. In summary, the available evidence is currently insufficient to determine the role of this variant in disease. Therefore, it has been classified as a Variant of Uncertain Significance.

NM_001355436.2(SPTB):c.4266+15_4266+28del

Gene: SPTB (spectrin beta, erythrocytic; minus strand). Cytogenetic location: 14q23.3.
Variant type: Deletion.
Coding change: c.4266+15_4266+28del on transcript NM_001355436.2 (MANE Select); bases 15 to 28 of the intron after coding-DNA position 4266, 14 bases deleted (TGTAGACTCAGAGT).
Molecular consequence: intron variant.
Genome position (GRCh38, 1-based): chr14:64,782,262-64,782,275, ACTCTGAGTCTACA deleted on the plus strand (TGTAGACTCAGAGT on the coding strand, the reverse complement: SPTB is on the minus strand); deleting any 14 consecutive bases within chr14:64,782,262-64,782,277 gives the same sequence; the c. name uses the placement nearest the transcript's 3' end. VCF-style (leftmost placement, unchanged base first): chr14-64782261-CACTCTGAGTCTACA-C. GRCh37 (hg19) VCF-style: chr14-65248979-CACTCTGAGTCTACA-C.
Other names: c.4266+15_4266+28del (NM_001024858.4, NM_001355437.2).
Identifiers: ClinVar variation 4803289 (VCV004803289.1).